The following is an entry in ClinVar:

NM_004168.4(SDHA):c.1572C>T (p.Ala524=)

Gene: SDHA (succinate dehydrogenase complex flavoprotein subunit A; plus strand). Cytogenetic location: 5p15.33.
Variant type: single nucleotide variant.
Coding change: c.1572C>T on transcript NM_004168.4 (MANE Select); coding-DNA position 1572, C replaced by T.
Protein change: p.Ala524=; no amino-acid change (alanine 524 retained).
Molecular consequence: synonymous variant. On other transcripts: intron variant (1).
Genome position (GRCh38, 1-based): chr5:251,012, C>T. VCF-style: chr5-251012-C-T. GRCh37 (hg19) VCF-style: chr5-251127-C-T.
Other names: c.1428C>T, p.Ala476= (NM_001294332.2); c.1552-3381C>T (NM_001330758.2).
Identifiers: ClinVar variation 774756 (VCV000774756.14), dbSNP rs185679709, ClinGen allele CA3173298.

ClinVar aggregate classification (germline): Benign/Likely benign. Review status: criteria provided, multiple submitters, no conflicts (2 of 4 stars). 3 submissions from 3 submitters: Benign (1); Likely benign (2). Last evaluated 2025-11-10.

Conditions:
Pheochromocytoma/paraganglioma syndrome 5. Also called: Paragangliomas 5; SDHA-Related Hereditary Paraganglioma-Pheochromocytoma Syndrome. Identifiers: Orphanet 29072, MedGen C3279992, MONDO:0013602, OMIM 614165.
Mitochondrial complex II deficiency, nuclear type 1. Also called: SUCCINATE CoQ REDUCTASE DEFICIENCY. Identifiers: Orphanet 3208, MedGen C5700310, MONDO:0100294, OMIM 252011.
Hereditary cancer-predisposing syndrome. Also called: Tumor predisposition; Hereditary neoplastic syndrome; Neoplastic Syndromes, Hereditary; Hereditary Cancer Syndrome. Identifiers: Orphanet 140162, MedGen C0027672, MeSH D009386, MONDO:0015356.

Allele frequency attached by ClinVar (database versions not stated): gnomAD exomes 0.00001 and 0.00002; ExAC 0.00003; TOPMed 0.00003; gnomAD 0.00004; 1000 Genomes Project 30x 0.00016; 1000 Genomes Project 0.00020.
gnomAD v4.1: 22 of 1,611,912 alleles (0.0014%); highest among the groups gnomAD compares: African/African-American, 0.013%; no homozygotes.

Submissions (3):

Labcorp Genetics (formerly Invitae), Labcorp
Classification: Likely benign for Pheochromocytoma/paraganglioma syndrome 5; Mitochondrial complex II deficiency, nuclear type 1. Last evaluated: 2025-11-10. Review status: criteria provided, single submitter. Criteria: Invitae Variant Classification Sherloc (09022015). Collection method: clinical testing. Allele origin: germline.

Myriad Genetics, Inc.
Classification: Benign for Pheochromocytoma/paraganglioma syndrome 5. Last evaluated: 2025-03-10. Review status: criteria provided, single submitter. Criteria: Myriad Autosomal Dominant, Autosomal Recessive and X-Linked Classification Criteria (2023). Collection method: clinical testing. Allele origin: unknown.
Comment: This variant is considered benign. This variant is a silent/synonymous amino acid change and it is not expected to impact splicing.

Ambry Genetics
Classification: Likely benign for Hereditary cancer-predisposing syndrome. Last evaluated: 2021-03-24. Review status: criteria provided, single submitter. Criteria: Ambry Variant Classification Scheme 2023. Collection method: clinical testing. Allele origin: germline.